The following is an entry in ClinVar:

NC_000002.11:g.(?_47202092)_(47206066_?)del

Gene: TTC7A (tetratricopeptide repeat domain 7A; plus strand). Cytogenetic location: 2p21.
Variant type: Deletion.
Identifiers: ClinVar variation 2426555 (VCV002426555.5).

ClinVar aggregate classification (germline): Pathogenic (1 of 4 stars; one submission).

Conditions:
Multiple gastrointestinal atresias. Also called: FAMILIAL INTESTINAL POLYATRESIA SYNDROME; Multiple intestinal atresia. Identifiers: Orphanet 2300, MedGen C0220744, MONDO:0009465.

Submission:

Labcorp Genetics (formerly Invitae), Labcorp
Classification: Pathogenic for Multiple gastrointestinal atresias. Last evaluated: 2021-11-06. Review status: criteria provided, single submitter. Criteria: Invitae Variant Classification Sherloc (09022015). Collection method: clinical testing. Allele origin: germline.
Comment: For these reasons, this variant has been classified as Pathogenic. This variant has not been reported in the literature in individuals affected with TTC7A-related conditions. This variant is a gross deletion of the genomic region encompassing exon(s) 4-5 of the TTC7A gene. This deletion is out-of-frame, and is expected to create a premature termination codon and result in an absent or disrupted protein product. Loss-of-function variants in TTC7A are known to be pathogenic (PMID: 23830146, 24292712).

Literature cited by the submitters: PubMed 23830146; PubMed 24292712.